The following is an entry in ClinVar:

NM_052947.4(ALPK2):c.6459C>T (p.Asn2153=)

Gene: ALPK2 (alpha kinase 2; minus strand). Cytogenetic location: 18q21.31.
Variant type: single nucleotide variant.
Coding change: c.6459C>T on transcript NM_052947.4 (MANE Select); coding-DNA position 6459, C replaced by T.
Protein change: p.Asn2153=; no amino-acid change (asparagine 2153 retained).
Molecular consequence: synonymous variant.
Genome position (GRCh38, 1-based): chr18:58,481,877, G>A on the plus strand (C>T on the coding strand, the complement: ALPK2 is on the minus strand). VCF-style: chr18-58481877-G-A. GRCh37 (hg19) VCF-style: chr18-56149109-G-A.
Identifiers: ClinVar variation 1753634 (VCV001753634.4), dbSNP rs61743671, ClinGen allele CA8976149.

ClinVar aggregate classification (germline): Likely benign. Review status: criteria provided, single submitter (1 of 4 stars). 2 submissions from 2 submitters: Likely benign (1). 1 of the submissions does not count toward it. Last evaluated 2022-02-12.

Conditions:
ALPK2-related disorder. Also called: ALPK2-related condition.

Allele frequency attached by ClinVar (database versions not stated): gnomAD exomes 0.00058; ExAC 0.00181; gnomAD 0.00650; 1000 Genomes Project 0.00699; TOPMed 0.00726; 1000 Genomes Project 30x 0.00734; ESP Exome Variant Server 0.00761.
gnomAD v4.1: 1,848 of 1,614,032 alleles (0.11%); highest among the groups gnomAD compares: African/African-American, 2.3%; 26 homozygotes.

Submissions (2):

Ambry Genetics
Classification: Likely benign. Last evaluated: 2022-02-12. Review status: criteria provided, single submitter. Criteria: Ambry Variant Classification Scheme 2023. Collection method: clinical testing. Allele origin: germline.

PreventionGenetics, part of Exact Sciences
Classification: Benign for ALPK2-related condition. Last evaluated: 2019-06-11. Review status: no assertion criteria provided. Collection method: clinical testing. Allele origin: germline. Not counted in ClinVar's aggregate classification.
Comment: This variant is classified as benign based on ACMG/AMP sequence variant interpretation guidelines (Richards et al. 2015 PMID: 25741868, with internal and published modifications).